The following is an entry in ClinVar:

ClinVar aggregate classification (germline): Uncertain significance (1 of 4 stars; one submission).

Allele frequency attached by ClinVar (database versions not stated): gnomAD 0.00001; gnomAD exomes 0.00001; TOPMed 0.00001; ExAC 0.00003.
gnomAD v4.1: 9 of 1,614,050 alleles (0.00056%); highest among the groups gnomAD compares: Admixed American, 0.015%; no homozygotes.

Submission:

Labcorp Genetics (formerly Invitae), Labcorp
Classification: Uncertain significance. Last evaluated: 2022-08-31. Review status: criteria provided, single submitter. Criteria: Invitae Variant Classification Sherloc (09022015). Collection method: clinical testing. Allele origin: germline.
Comment: In summary, the available evidence is currently insufficient to determine the role of this variant in disease. Therefore, it has been classified as a Variant of Uncertain Significance. Algorithms developed to predict the effect of missense changes on protein structure and function are either unavailable or do not agree on the potential impact of this missense change (SIFT: "Deleterious"; PolyPhen-2: "Benign"; Align-GVGD: "Class C0"). This variant has not been reported in the literature in individuals affected with CASQ1-related conditions. This variant is present in population databases (rs770652925, gnomAD 0.02%). This sequence change replaces aspartic acid, which is acidic and polar, with valine, which is neutral and non-polar, at codon 77 of the CASQ1 protein (p.Asp77Val).

NM_001231.5(CASQ1):c.230A>T (p.Asp77Val)

Gene: CASQ1 (calsequestrin 1; plus strand). Cytogenetic location: 1q23.2.
Variant type: single nucleotide variant.
Coding change: c.230A>T on transcript NM_001231.5 (MANE Select); coding-DNA position 230, A replaced by T.
Protein change: p.Asp77Val; replaces aspartic acid 77 with valine.
Molecular consequence: missense variant.
Genome position (GRCh38, 1-based): chr1:160,190,981, A>T. VCF-style: chr1-160190981-A-T. GRCh37 (hg19) VCF-style: chr1-160160771-A-T.
Other names: short protein forms D77V.
Identifiers: ClinVar variation 1955991 (VCV001955991.5), dbSNP rs770652925, ClinGen allele CA1196100.
Genomic context (GRCh38, chr1:160,190,981, plus strand): 5'-ACAAGAATGTGTTCAAGAAGTATGAGGTGCTGGCACTCCTCTACCATGAACCCCCCGAGG[A>T]TGACAAGGCCTCACAAAGACAATTTGAGATGGAGGAGCTGATCCTGGAGGTGAGTTGGGG-3'
Protein context (NP_001222.3, residues 67-87): LALLYHEPPE[Asp77Val]DKASQRQFEM